The following is an entry in ClinVar:

ClinVar aggregate classification (germline): Uncertain significance (1 of 4 stars; one submission).

Submission:

Labcorp Genetics (formerly Invitae), Labcorp
Classification: Uncertain significance. Last evaluated: 2023-07-22. Review status: criteria provided, single submitter. Criteria: Invitae Variant Classification Sherloc (09022015). Collection method: clinical testing. Allele origin: germline.
Comment: This variant is not present in population databases (gnomAD no frequency). This variant has not been reported in the literature in individuals affected with SLC12A6-related conditions. Advanced modeling of protein sequence and biophysical properties (such as structural, functional, and spatial information, amino acid conservation, physicochemical variation, residue mobility, and thermodynamic stability) performed at Invitae indicates that this missense variant is expected to disrupt SLC12A6 protein function. In summary, the available evidence is currently insufficient to determine the role of this variant in disease. Therefore, it has been classified as a Variant of Uncertain Significance. This sequence change replaces alanine, which is neutral and non-polar, with serine, which is neutral and polar, at codon 583 of the SLC12A6 protein (p.Ala583Ser).

NM_001365088.1(SLC12A6):c.1747G>T (p.Ala583Ser)

Gene: SLC12A6 (solute carrier family 12 member 6; minus strand). Cytogenetic location: 15q14.
Variant type: single nucleotide variant.
Coding change: c.1747G>T on transcript NM_001365088.1 (MANE Select); coding-DNA position 1747, G replaced by T.
Protein change: p.Ala583Ser; replaces alanine 583 with serine.
Molecular consequence: missense variant.
Genome position (GRCh38, 1-based): chr15:34,245,770, C>A on the plus strand (G>T on the coding strand, the complement: SLC12A6 is on the minus strand). VCF-style: chr15-34245770-C-A. GRCh37 (hg19) VCF-style: chr15-34537971-C-A.
Other names: c.1570G>T, p.Ala524Ser (NM_001042494.2, NM_001042495.2); c.1720G>T, p.Ala574Ser (NM_001042496.2); c.1702G>T, p.Ala568Ser (NM_001042497.2); c.1594G>T, p.Ala532Ser (NM_005135.2); c.1747G>T, p.Ala583Ser (NM_133647.2); short protein forms A532S, A524S, A583S, A568S, A574S.
Identifiers: ClinVar variation 2745953 (VCV002745953.3), dbSNP rs2509782808, ClinGen allele CA391621122.